The following is an entry in ClinVar:

NM_024642.5(GALNT12):c.1451A>G (p.Gln484Arg)

Gene: GALNT12 (polypeptide N-acetylgalactosaminyltransferase 12; plus strand). Cytogenetic location: 9q22.33.
Variant type: single nucleotide variant.
Coding change: c.1451A>G on transcript NM_024642.5 (MANE Select); coding-DNA position 1451, A replaced by G.
Protein change: p.Gln484Arg; replaces glutamine 484 with arginine.
Molecular consequence: missense variant.
Genome position (GRCh38, 1-based): chr9:98,844,202, A>G. VCF-style: chr9-98844202-A-G. GRCh37 (hg19) VCF-style: chr9-101606484-A-G.
Other names: short protein forms Q484R.
Identifiers: ClinVar variation 3280561 (VCV003280561.1).

ClinVar aggregate classification (germline): Uncertain significance (1 of 4 stars; one submission).

Submission:

Ambry Genetics
Classification: Uncertain significance. Last evaluated: 2024-03-17. Review status: criteria provided, single submitter. Criteria: Ambry Variant Classification Scheme 2023. Collection method: clinical testing. Allele origin: germline.
Comment: The p.Q484R variant (also known as c.1451A>G), located in coding exon 8 of the GALNT12 gene, results from an A to G substitution at nucleotide position 1451. The glutamine at codon 484 is replaced by arginine, an amino acid with highly similar properties. This amino acid position is conserved. In addition, this alteration is predicted to be tolerated by in silico analysis. Based on the available evidence, the clinical significance of this alteration remains unclear.